The following is an entry in ClinVar:

ClinVar aggregate classification (germline): Uncertain significance (1 of 4 stars; one submission).

gnomAD v4.1: 13 of 1,614,136 alleles (0.00081%); highest among the groups gnomAD compares: East Asian, 0.0022%; no homozygotes.

Submission:

Labcorp Genetics (formerly Invitae), Labcorp
Classification: Uncertain significance. Last evaluated: 2026-01-17. Review status: criteria provided, single submitter. Criteria: Invitae Variant Classification Sherloc (09022015). Collection method: clinical testing. Allele origin: germline.
Comment: This sequence change replaces glycine, which is neutral and non-polar, with serine, which is neutral and polar, at codon 291 of the SPARC protein (p.Gly291Ser). The frequency data for this variant in the population databases is considered unreliable, as metrics indicate poor data quality at this position in the gnomAD database. This variant has not been reported in the literature in individuals affected with SPARC-related conditions. Invitae Evidence Modeling of protein sequence and biophysical properties (such as structural, functional, and spatial information, amino acid conservation, physicochemical variation, residue mobility, and thermodynamic stability) indicates that this missense variant is not expected to disrupt SPARC protein function with a negative predictive value of 80%. In summary, the available evidence is currently insufficient to determine the role of this variant in disease. Therefore, it has been classified as a Variant of Uncertain Significance.

NM_003118.4(SPARC):c.871G>A (p.Gly291Ser)

Genes: SPARC (secreted protein acidic and cysteine rich; minus strand), LOC126807556 (MED14-independent group 3 enhancer GRCh37_chr5:151042798-151043997; plus strand). Cytogenetic location: 5q33.1.
Variant type: single nucleotide variant.
Coding change: c.871G>A on transcript NM_003118.4 (MANE Select); coding-DNA position 871, G replaced by A.
Protein change: p.Gly291Ser; replaces glycine 291 with serine.
Molecular consequence: missense variant.
Genome position (GRCh38, 1-based): chr5:151,664,099, C>T on the plus strand (G>A on the coding strand, the complement: SPARC is on the minus strand). VCF-style: chr5-151664099-C-T. GRCh37 (hg19) VCF-style: chr5-151043660-C-T.
Other names: c.868G>A, p.Gly290Ser (NM_001309443.2); c.871G>A, p.Gly291Ser (NM_001309444.2); short protein forms G290S, G291S.
Identifiers: ClinVar variation 4739768 (VCV004739768.1).